The following is an entry in ClinVar:

NM_002529.4(NTRK1):c.2020G>T (p.Asp674Tyr)

Gene: NTRK1 (neurotrophic receptor tyrosine kinase 1; plus strand). Cytogenetic location: 1q23.1.
Variant type: single nucleotide variant.
Coding change: c.2020G>T on transcript NM_002529.4 (MANE Select); coding-DNA position 2020, G replaced by T.
Protein change: p.Asp674Tyr; replaces aspartic acid 674 with tyrosine.
Molecular consequence: missense variant.
Genome position (GRCh38, 1-based): chr1:156,879,336, G>T. VCF-style: chr1-156879336-G-T. GRCh37 (hg19) VCF-style: chr1-156849128-G-T.
Other names: c.1912G>T, p.Asp638Tyr (NM_001007792.1); c.2002G>T, p.Asp668Tyr (NM_001012331.2); short protein forms D638Y, D668Y, D674Y.
Identifiers: ClinVar variation 21307 (VCV000021307.12), dbSNP rs80356677, ClinGen allele CA341877.

ClinVar aggregate classification (germline): Pathogenic/Likely pathogenic. Review status: criteria provided, multiple submitters, no conflicts (2 of 4 stars). 6 submissions from 6 submitters: Pathogenic (2); Likely pathogenic (2). 2 of the submissions do not count toward it. Last evaluated 2024-12-03.

Conditions:
Hereditary insensitivity to pain with anhidrosis (CIPA). Also called: HSAN Type IV; NTRK1 Congenital Insensitivity to Pain with Anhidrosis; FAMILIAL DYSAUTONOMIA, TYPE II; NEUROPATHY, CONGENITAL SENSORY, WITH ANHIDROSIS; hereditary sensory and autonomic neuropathy type 4; INSENSITIVITY TO PAIN, CONGENITAL, WITH ANHIDROSIS. Identifiers: Orphanet 642, MedGen C0020074, MONDO:0009746, OMIM 256800.

Allele frequency attached by ClinVar (database versions not stated): gnomAD exomes below 0.00001 and 0.00001; ExAC 0.00001; gnomAD 0.00001; 1000 Genomes Project 30x 0.00016; 1000 Genomes Project 0.00020.
gnomAD v4.1: 8 of 1,609,332 alleles (0.0005%); highest among the groups gnomAD compares: East Asian, 0.018%; no homozygotes.

Submissions (6):

Women's Health and Genetics/Laboratory Corporation of America, LabCorp
Classification: Pathogenic for Hereditary insensitivity to pain with anhidrosis. Last evaluated: 2024-12-03. Review status: criteria provided, single submitter. Criteria: LabCorp Variant Classification Summary - May 2015. Collection method: clinical testing. Allele origin: germline.
Comment: Variant summary: NTRK1 c.2002G>T (p.Asp668Tyr) results in a non-conservative amino acid change located in the Protein kinase domain profile (IPR000719) of the encoded protein sequence. Five of five in-silico tools predict a damaging effect of the variant on protein function. The variant allele was found at a frequency of 4.1e-06 in 246690 control chromosomes. c.2002G>T has been reported in the literature in multiple compound heterozygous individuals affected with Hereditary insensitivity to pain with anhidrosis (Miura_2000, Mardy_2001, Seo_2020, Cho_2024). These data indicate that the variant is very likely to be associated with disease. At least one publication reports experimental evidence evaluating an impact on protein function. The most pronounced variant effect results in reduced transformation activity (66%) of the receptor protein compared to that of wild type protein in in vitro cultured cells (Miranda_2002). The following publications have been ascertained in the context of this evaluation (PMID: 38581121, 32807182, 11159935, 11719521, 10982191, 32901917). ClinVar contains an entry for this variant (Variation ID: 21307). Based on the evidence outlined above, the variant was classified as pathogenic.

Genome-Nilou Lab
Classification: Likely pathogenic for Hereditary insensitivity to pain with anhidrosis. Last evaluated: 2023-04-11. Review status: criteria provided, single submitter. Criteria: ACMG Guidelines, 2015. Collection method: clinical testing. Allele origin: germline. Affected: no.

Labcorp Genetics (formerly Invitae), Labcorp
Classification: Pathogenic for Hereditary insensitivity to pain with anhidrosis. Last evaluated: 2022-04-10. Review status: criteria provided, single submitter. Criteria: Invitae Variant Classification Sherloc (09022015). Collection method: clinical testing. Allele origin: germline.
Comment: This sequence change replaces aspartic acid, which is acidic and polar, with tyrosine, which is neutral and polar, at codon 668 of the NTRK1 protein (p.Asp668Tyr). This variant is present in population databases (rs80356677, gnomAD 0.006%). This missense change has been observed in individual(s) with NTRK1-related conditions (PMID: 10982191, 28177573, 32807182, 32901917). In at least one individual the data is consistent with being in trans (on the opposite chromosome) from a pathogenic variant. This variant is also known as p.Asp674Tyr. ClinVar contains an entry for this variant (Variation ID: 21307). Advanced modeling of protein sequence and biophysical properties (such as structural, functional, and spatial information, amino acid conservation, physicochemical variation, residue mobility, and thermodynamic stability) performed at Invitae indicates that this missense variant is not expected to disrupt NTRK1 protein function. Experimental studies have shown that this missense change affects NTRK1 function (PMID: 11719521). Algorithms developed to predict the effect of sequence changes on RNA splicing suggest that this variant may disrupt the consensus splice site. For these reasons, this variant has been classified as Pathogenic.

3billion
Classification: Likely pathogenic for Hereditary insensitivity to pain with anhidrosis. Last evaluated: 2021-10-02. Review status: criteria provided, single submitter. Criteria: ACMG Guidelines, 2015. Collection method: clinical testing. Allele origin: maternal. Affected: yes. Observed: 1 heterozygote.
Comment: It is observed at an extremely low frequency in the gnomAD v2.1.1 dataset (total allele frequency: 0.0000041, PM2). The variant was observed in trans with a pathogenic variant (NM_002529.3:c.851-33T>A) as compound heterozygous (3billion dataset, PM3).In silico tool predictions suggest damaging effect of the variant on gene or gene product (REVEL: 0.843, 3Cnet: 0.970, PP3). Patient's phenotype is considered compatible with Insensitivity to pain, congenital, with anhidrosis (3billion dataset, PP4).The variant has been reported as pathogenic/likely pathogenic without evidence for the classification (ClinVar ID:VCV000021307.2). Therefore, this variant is classified as likely pathogenic according to the recommendation of ACMG/AMP guideline.

Department of Neurology and Geriatrics, Kagoshima University Graduate School of Medical and Dental Sciences
Classification: Pathogenic for Hereditary insensitivity to pain with anhidrosis. Last evaluated: 2021-11-16. Review status: no assertion criteria provided. Collection method: research. Allele origin: germline. Affected: yes. Not counted in ClinVar's aggregate classification.

GeneReviews
No classification provided. Condition: Hereditary insensitivity to pain with anhidrosis. Review status: no classification provided. Collection method: literature only. Allele origin: germline. Not counted in ClinVar's aggregate classification.
Comment: Pathogenic variants common in Japanese population

Literature cited by the submitters: PubMed 32807182 (cited by Women's Health and Genetics/Laboratory Corporation of America, LabCorp and Labcorp Genetics (formerly Invitae), Labcorp); PubMed 11159935 (cited by Women's Health and Genetics/Laboratory Corporation of America, LabCorp); PubMed 11719521 (cited by Women's Health and Genetics/Laboratory Corporation of America, LabCorp and Labcorp Genetics (formerly Invitae), Labcorp); PubMed 10982191 (cited by Women's Health and Genetics/Laboratory Corporation of America, LabCorp and Labcorp Genetics (formerly Invitae), Labcorp); PubMed 32901917 (cited by Women's Health and Genetics/Laboratory Corporation of America, LabCorp and Labcorp Genetics (formerly Invitae), Labcorp); PubMed 38581121 (cited by Women's Health and Genetics/Laboratory Corporation of America, LabCorp); PubMed 28177573 (cited by Labcorp Genetics (formerly Invitae), Labcorp); NCBI Bookshelf NBK1769 (cited by GeneReviews); PubMed 11748840 (cited by GeneReviews).